The following is an entry in ClinVar:

ClinVar aggregate classification (germline): Pathogenic (1 of 4 stars; one submission).

Conditions:
Hereditary cancer-predisposing syndrome. Also called: Hereditary neoplastic syndrome; Neoplastic Syndromes, Hereditary; Tumor predisposition; Hereditary Cancer Syndrome. Identifiers: Orphanet 140162, MedGen C0027672, MeSH D009386, MONDO:0015356.

Submission:

Ambry Genetics
Classification: Pathogenic for Hereditary cancer-predisposing syndrome. Last evaluated: 2025-07-15. Review status: criteria provided, single submitter. Criteria: Ambry Variant Classification Scheme 2023. Collection method: clinical testing. Allele origin: germline.
Comment: The c.1060delT pathogenic mutation, located in coding exon 4 of the PALB2 gene, results from a deletion of one nucleotide at nucleotide position 1060, causing a translational frameshift with a predicted alternate stop codon (p.S354Lfs*2). This alteration is expected to result in loss of function by premature protein truncation or nonsense-mediated mRNA decay. As such, this alteration is interpreted as a disease-causing mutation.

NM_024675.4(PALB2):c.1060del (p.Ser354fs)

Gene: PALB2 (partner and localizer of BRCA2; minus strand). Cytogenetic location: 16p12.2.
Variant type: Deletion.
Coding change: c.1060del on transcript NM_024675.4 (MANE Select); coding-DNA position 1060, one base deleted (T; older notation c.1060delT).
Protein change: p.Ser354fs; shifts the reading frame from serine 354.
Molecular consequence: frameshift variant. On other transcripts: intron variant (3).
Genome position (GRCh38, 1-based): chr16:23,635,486, A deleted on the plus strand (T on the coding strand, the reverse complement: PALB2 is on the minus strand). VCF-style (leftmost placement, unchanged base first): chr16-23635485-GA-G. GRCh37 (hg19) VCF-style: chr16-23646806-GA-G.
Other names: c.1000del, p.Ser334fs (NM_001407296.1); c.1060del, p.Ser354fs (NM_001407297.1, NM_001407298.1, NM_001407299.1 and 3 more transcripts); c.175del, p.Ser59fs (NM_001407304.1, NM_001407305.1, NM_001407306.1 and 5 more transcripts); c.48+5624del (NM_001407314.1); c.-104-5017del (NM_001407313.1, NM_001407312.1); short protein forms S334fs, S354fs, S59fs.
Identifiers: ClinVar variation 4130320 (VCV004130320.1).
Genomic context (GRCh38, chr16:23,635,485, plus strand): 5'-ATCTCACTTTCCTGAAGATTTTCATTCCTGCCATCAAGAGTGTCACTGGGAGATTTTAAA[GA>G]TTTCTCTGTTTGATTTTGTTCTTTTAAGTTTTGGTTTTCATTTGCTGGTAAGTTATTGTA-3'